The following is an entry in ClinVar:

NM_001943.5(DSG2):c.912_941delinsAATTGGCTGGCAAATTTTACATTTGAAATGAAGGAGGTTATTTCCTTCATTTGAATTGGCTGGCAAATTTTACATTTGAAATGA (p.Asp304_Ser314delinsGluIleGlyTrpGlnIleLeuHisLeuLysTer)

Gene: DSG2 (desmoglein 2; plus strand). Cytogenetic location: 18q12.1.
Variant type: Indel.
Coding change: c.912_941delinsAATTGGCTGGCAAATTTTACATTTGAAATGAAGGAGGTTATTTCCTTCATTTGAATTGGCTGGCAAATTTTACATTTGAAATGA on transcript NM_001943.5 (MANE Select); coding-DNA positions 912 to 941, the reference bases replaced by an inserted sequence.
Protein change: p.Asp304_Ser314delinsGluIleGlyTrpGlnIleLeuHisLeuLysTer.
Molecular consequence: nonsense.
Genome position (GRCh38, 1-based): chr18:31,524,786-31,524,815, 30 bases replaced. GRCh37 (hg19): chr18:29,104,749-29,104,778.
Identifiers: ClinVar variation 2093339 (VCV002093339.4), dbSNP rs2510912913, ClinGen allele CA2580095685.

ClinVar aggregate classification (germline): Pathogenic (1 of 4 stars; one submission).

Conditions:
Arrhythmogenic right ventricular dysplasia 10. Also called: Arrhythmogenic Right Ventricular Dysplasia/Cardiomyopathy10; Arrhythmogenic right ventricular dysplasia/cardiomyopathy, type 10; ARRHYTHMOGENIC RIGHT VENTRICULAR DYSPLASIA, FAMILIAL, 10. Identifiers: MedGen C1857777, MONDO:0012434, OMIM 610193.

Submission:

Labcorp Genetics (formerly Invitae), Labcorp
Classification: Pathogenic for Arrhythmogenic right ventricular dysplasia 10. Last evaluated: 2022-02-04. Review status: criteria provided, single submitter. Criteria: Invitae Variant Classification Sherloc (09022015). Collection method: clinical testing. Allele origin: germline.
Comment: This sequence change creates a premature translational stop signal (p.Asp304_Ser314delins10*) in the DSG2 gene. It is expected to result in an absent or disrupted protein product. Loss-of-function variants in DSG2 are known to be pathogenic (PMID: 17105751, 31386562). This variant is not present in population databases (gnomAD no frequency). This variant has not been reported in the literature in individuals affected with DSG2-related conditions. Algorithms developed to predict the effect of sequence changes on RNA splicing suggest that this variant may create or strengthen a splice site. For these reasons, this variant has been classified as Pathogenic.

Literature cited by the submitters: PubMed 17105751; PubMed 31386562.